The following is an entry in ClinVar:

ClinVar aggregate classification (germline): Uncertain significance (1 of 4 stars; one submission).

Allele frequency attached by ClinVar (database versions not stated): gnomAD exomes 0.00001.

Submission:

Labcorp Genetics (formerly Invitae), Labcorp
Classification: Uncertain significance. Last evaluated: 2022-11-22. Review status: criteria provided, single submitter. Criteria: Invitae Variant Classification Sherloc (09022015). Collection method: clinical testing. Allele origin: germline.
Comment: In summary, the available evidence is currently insufficient to determine the role of this variant in disease. Therefore, it has been classified as a Variant of Uncertain Significance. Algorithms developed to predict the effect of missense changes on protein structure and function are either unavailable or do not agree on the potential impact of this missense change (SIFT: "Deleterious"; PolyPhen-2: "Probably Damaging"; Align-GVGD: "Class C0"). This variant has not been reported in the literature in individuals affected with ERBIN-related conditions. This variant is not present in population databases (gnomAD no frequency). This sequence change replaces methionine, which is neutral and non-polar, with valine, which is neutral and non-polar, at codon 1157 of the ERBIN protein (p.Met1157Val).

NM_001253697.2(ERBIN):c.3469A>G (p.Met1157Val)

Gene: ERBIN (erbb2 interacting protein; plus strand). Cytogenetic location: 5q12.3.
Variant type: single nucleotide variant.
Coding change: c.3469A>G on transcript NM_001253697.2 (MANE Select); coding-DNA position 3469, A replaced by G.
Protein change: p.Met1157Val; replaces methionine 1157 with valine.
Molecular consequence: missense variant.
Genome position (GRCh38, 1-based): chr5:66,054,787, A>G. VCF-style: chr5-66054787-A-G. GRCh37 (hg19) VCF-style: chr5-65350615-A-G.
Other names: c.3469A>G, p.Met1157Val (NM_001006600.3, NM_001253698.2, NM_001253699.2 and 1 more transcripts); c.3457A>G, p.Met1153Val (NM_001253701.2); short protein forms M1153V, M1157V.
Identifiers: ClinVar variation 1930929 (VCV001930929.5), dbSNP rs1406692096, ClinGen allele CA359869899.